The following is an entry in ClinVar:

ClinVar aggregate classification (germline): Uncertain significance. Review status: criteria provided, multiple submitters, no conflicts (2 of 4 stars). 2 submissions from 2 submitters: Uncertain significance (2). Last evaluated 2023-09-01.

Conditions:
Hereditary cancer-predisposing syndrome. Also called: Tumor predisposition; Hereditary neoplastic syndrome; Neoplastic Syndromes, Hereditary; Hereditary Cancer Syndrome. Identifiers: Orphanet 140162, MedGen C0027672, MeSH D009386, MONDO:0015356.

Submissions (2):

Ambry Genetics
Classification: Uncertain significance for Hereditary cancer-predisposing syndrome. Last evaluated: 2023-09-01. Review status: criteria provided, single submitter. Criteria: Ambry Variant Classification Scheme 2023. Collection method: clinical testing. Allele origin: germline.
Comment: The p.E925G variant (also known as c.2774A>G), located in coding exon 17 of the RAD50 gene, results from an A to G substitution at nucleotide position 2774. The glutamic acid at codon 925 is replaced by glycine, an amino acid with similar properties. This amino acid position is conserved. In addition, the in silico prediction for this alteration is inconclusive. Since supporting evidence is limited at this time, the clinical significance of this alteration remains unclear.

Labcorp Genetics (formerly Invitae), Labcorp
Classification: Uncertain significance for Hereditary cancer-predisposing syndrome. Last evaluated: 2020-10-29. Review status: criteria provided, single submitter. Criteria: Invitae Variant Classification Sherloc (09022015). Collection method: clinical testing. Allele origin: germline.
Comment: In summary, the available evidence is currently insufficient to determine the role of this variant in disease. Therefore, it has been classified as a Variant of Uncertain Significance. Algorithms developed to predict the effect of missense changes on protein structure and function are either unavailable or do not agree on the potential impact of this missense change (SIFT: "Tolerated"; PolyPhen-2: "Probably Damaging"; Align-GVGD: "Class C0"). This variant has not been reported in the literature in individuals with RAD50-related conditions. This variant is not present in population databases (ExAC no frequency). This sequence change replaces glutamic acid with glycine at codon 925 of the RAD50 protein (p.Glu925Gly). The glutamic acid residue is moderately conserved and there is a moderate physicochemical difference between glutamic acid and glycine.

NM_005732.4(RAD50):c.2774A>G (p.Glu925Gly)

Gene: RAD50 (RAD50 double strand break repair protein; plus strand). Cytogenetic location: 5q31.1.
Variant type: single nucleotide variant.
Coding change: c.2774A>G on transcript NM_005732.4 (MANE Select); coding-DNA position 2774, A replaced by G.
Protein change: p.Glu925Gly; replaces glutamic acid 925 with glycine.
Molecular consequence: missense variant.
Genome position (GRCh38, 1-based): chr5:132,608,670, A>G. VCF-style: chr5-132608670-A-G. GRCh37 (hg19) VCF-style: chr5-131944362-A-G.
Other names: short protein forms E925G.
Identifiers: ClinVar variation 860087 (VCV000860087.11), dbSNP rs1751028393, ClinGen allele CA360958910.